The following is an entry in ClinVar:

ClinVar aggregate classification (germline): Uncertain significance (1 of 4 stars; one submission).

Allele frequency attached by ClinVar (database versions not stated): gnomAD 0.00003 and 0.00004; gnomAD exomes 0.00004 and 0.00008; TOPMed 0.00004; ExAC 0.00007; ESP Exome Variant Server 0.00008.
gnomAD v4.1: 57 of 1,537,212 alleles (0.0037%); highest among the groups gnomAD compares: Middle Eastern, 0.034%; no homozygotes.

Submission:

Labcorp Genetics (formerly Invitae), Labcorp
Classification: Uncertain significance. Last evaluated: 2022-11-19. Review status: criteria provided, single submitter. Criteria: Invitae Variant Classification Sherloc (09022015). Collection method: clinical testing. Allele origin: germline.
Comment: This variant is present in population databases (rs372104069, gnomAD 0.2%). In summary, the available evidence is currently insufficient to determine the role of this variant in disease. Therefore, it has been classified as a Variant of Uncertain Significance. Algorithms developed to predict the effect of missense changes on protein structure and function are either unavailable or do not agree on the potential impact of this missense change (SIFT: "Deleterious"; PolyPhen-2: "Probably Damaging"; Align-GVGD: "Class C0"). ClinVar contains an entry for this variant (Variation ID: 1393784). This missense change has been observed in individual(s) with clinical features of PLK4-related conditions (PMID: 34582790). This sequence change replaces serine, which is neutral and polar, with cysteine, which is neutral and slightly polar, at codon 640 of the PLK4 protein (p.Ser640Cys).

Literature cited by the submitters: PubMed 34582790.

NM_014264.5(PLK4):c.1919C>G (p.Ser640Cys)

Gene: PLK4 (polo like kinase 4; plus strand). Cytogenetic location: 4q28.1.
Variant type: single nucleotide variant.
Coding change: c.1919C>G on transcript NM_014264.5 (MANE Select); coding-DNA position 1919, C replaced by G.
Protein change: p.Ser640Cys; replaces serine 640 with cysteine.
Molecular consequence: missense variant.
Genome position (GRCh38, 1-based): chr4:127,891,180, C>G. VCF-style: chr4-127891180-C-G. GRCh37 (hg19) VCF-style: chr4-128812335-C-G.
Other names: c.1823C>G, p.Ser608Cys (NM_001190799.2); c.1796C>G, p.Ser599Cys (NM_001190801.2); short protein forms S599C, S640C, S608C.
Identifiers: ClinVar variation 1393784 (VCV001393784.4), dbSNP rs372104069, ClinGen allele CA3076887.